The following is an entry in ClinVar:

ClinVar aggregate classification (germline): Uncertain significance (1 of 4 stars; one submission).

Conditions:
Retinitis pigmentosa 1 (RP1). Identifiers: Orphanet 791, MedGen C0220701, MONDO:0008377, OMIM 180100.

Submission:

Juno Genomics, Hangzhou Juno Genomics, Inc
Classification: Uncertain significance for Retinitis pigmentosa 1. Review status: criteria provided, single submitter. Criteria: ACMG Guidelines, 2015. Collection method: clinical testing. Allele origin: germline.
Comment: Absent from controls (or at extremely low frequency if recessive) in Genome Aggregation Database.;Multiple lines of computational evidence support a deleterious effect on the gene or gene product.

NM_006269.2(RP1):c.336G>A (p.Val112=)

Gene: RP1 (RP1 axonemal microtubule associated; plus strand). Cytogenetic location: 8q12.1.
Variant type: single nucleotide variant.
Coding change: c.336G>A on transcript NM_006269.2 (MANE Select); coding-DNA position 336, G replaced by A.
Protein change: p.Val112=; no amino-acid change (valine 112 retained).
Molecular consequence: synonymous variant.
Genome position (GRCh38, 1-based): chr8:54,621,302, G>A. VCF-style: chr8-54621302-G-A. GRCh37 (hg19) VCF-style: chr8-55533862-G-A.
Other names: c.336G>A, p.Val112= (NM_001375654.1).
Identifiers: ClinVar variation 5007315 (VCV005007315.2).